The following is an entry in ClinVar:

NM_152564.5(VPS13B):c.1540A>T (p.Ile514Phe)

Gene: VPS13B (vacuolar protein sorting 13 homolog B; plus strand). Cytogenetic location: 8q22.2.
Variant type: single nucleotide variant.
Coding change: c.1540A>T on transcript NM_152564.5 (MANE Select); coding-DNA position 1540, A replaced by T.
Protein change: p.Ile514Phe; replaces isoleucine 514 with phenylalanine.
Molecular consequence: missense variant.
Genome position (GRCh38, 1-based): chr8:99,135,710, A>T. VCF-style: chr8-99135710-A-T. GRCh37 (hg19) VCF-style: chr8-100147938-A-T.
Other names: c.1540A>T, p.Ile514Phe (NM_015243.3, NM_017890.5); short protein forms I514F.
Identifiers: ClinVar variation 4987854 (VCV004987854.1).
Genomic context (GRCh38, chr8:99,135,710, plus strand): 5'-CTTACAAATTCATTGTTTGATTACCGAAGCCCAGAAAATAATGGTACTCGCGCAGAATTT[A>T]TCTTGGATTCAACTCATCATAAGGTTAGAGAATATATATTTGAACCAAATTCTAGGCTGT-3'
Protein context (NP_689777.3, residues 504-524): PENNGTRAEF[Ile514Phe]LDSTHHKETY

ClinVar aggregate classification (germline): Uncertain significance (1 of 4 stars; one submission).

Conditions:
VPS13B-related disorder. Also called: VPS13B-related condition.

Submission:

PreventionGenetics, part of Exact Sciences
Classification: Uncertain significance for VPS13B-related condition. Last evaluated: 2026-02-11. Review status: criteria provided, single submitter. Criteria: ACMG Guidelines, 2015. Collection method: clinical testing. Allele origin: germline.
Comment: The VPS13B c.1540A>T variant is predicted to result in the amino acid substitution p.Ile514Phe. To our knowledge, this variant has not been reported in the literature or in a large population database, indicating this variant is rare. At this time, the clinical significance of this variant is uncertain due to the absence of conclusive functional and genetic evidence.